The following is an entry in ClinVar:

ClinVar aggregate classification (germline): Likely pathogenic (1 of 4 stars; one submission).

Conditions:
Intellectual disability-microcephaly-strabismus-behavioral abnormalities syndrome. Also called: White-Sutton Syndrome. Identifiers: Orphanet 468678, MedGen C4225351, MONDO:0014606, OMIM 616364.

Submission:

Diagnostics Services (NGS), CSIR - Centre For Cellular And Molecular Biology
Classification: Likely pathogenic for Intellectual disability-microcephaly-strabismus-behavioral abnormalities syndrome. Last evaluated: 2024-08-02. Review status: criteria provided, single submitter. Criteria: ACMG Guidelines, 2015. Collection method: clinical testing. Allele origin: unknown. Affected: yes. Observed: 1 variant allele, 1 heterozygote.
Comment: The c.2729del variant is not present in publicly available population databases like 1000 Genomes, gnomAD, ExAC, EVS, Indian Exome Database or our in-house exome database. This variant has neither been published in the literature nor reported to clinical databases like ClinVar, Human Genome Mutation Database (HGMD) or OMIM in any affected individuals. In-silico pathogenicity prediction programs like MutationTaster2, CADD, Varsome, Franklin etc predicted this variant to be likely deleterious. This variant causes frameshift at the 910th amino acid position of the wild-type transcript which creates a premature translational stop-signal at the altered transcript that may either result in translation of a truncated protein or cause nonsense mediated decay of the mRNA.

NM_015100.4(POGZ):c.2729del (p.Ser910fs)

Gene: POGZ (pogo transposable element derived with ZNF domain; minus strand). Cytogenetic location: 1q21.3.
Variant type: Deletion.
Coding change: c.2729del on transcript NM_015100.4 (MANE Select); coding-DNA position 2729, one base deleted (C; older notation c.2729delC).
Protein change: p.Ser910fs; shifts the reading frame from serine 910.
Molecular consequence: frameshift variant.
Genome position (GRCh38, 1-based): chr1:151,406,306, G deleted on the plus strand (C on the coding strand, the reverse complement: POGZ is on the minus strand). VCF-style (leftmost placement, unchanged base first): chr1-151406305-TG-T. GRCh37 (hg19) VCF-style: chr1-151378781-TG-T.
Other names: c.2702del, p.Ser901fs (NM_001194937.2); c.2543del, p.Ser848fs (NM_001194938.2); c.2750del, p.Ser917fs (NM_001410860.1); c.2444del, p.Ser815fs (NM_145796.4); c.2570del, p.Ser857fs (NM_207171.2); short protein forms S815fs, S848fs, S857fs, S901fs, S910fs, S917fs.
Identifiers: ClinVar variation 3340516 (VCV003340516.1).